The following is an entry in ClinVar:

NM_006060.6(IKZF1):c.915G>T (p.Met305Ile)

Gene: IKZF1 (IKAROS family zinc finger 1; plus strand). Cytogenetic location: 7p12.2.
Variant type: single nucleotide variant.
Coding change: c.915G>T on transcript NM_006060.6 (MANE Select); coding-DNA position 915, G replaced by T.
Protein change: p.Met305Ile; replaces methionine 305 with isoleucine.
Molecular consequence: missense variant.
Genome position (GRCh38, 1-based): chr7:50,399,982, G>T. VCF-style: chr7-50399982-G-T. GRCh37 (hg19) VCF-style: chr7-50467680-G-T.
Other names: c.789G>T, p.Met263Ile (NM_001220765.3, NM_001291837.2); c.624G>T, p.Met208Ile (NM_001220767.2); c.654G>T, p.Met218Ile (NM_001220768.2, NM_001291838.2); c.498G>T, p.Met166Ile (NM_001220770.2); c.486G>T, p.Met162Ile (NM_001220771.2, NM_001291841.1); c.528G>T, p.Met176Ile (NM_001291839.2); c.225G>T, p.Met75Ile (NM_001291840.1); c.456G>T, p.Met152Ile (NM_001291842.1); and 3 more; short protein forms M263I, M218I, M305I, M110I, M120I, M162I, M208I, M325I.
Identifiers: ClinVar variation 2133362 (VCV002133362.4), dbSNP rs867719866, ClinGen allele CA367524028.

ClinVar aggregate classification (germline): Uncertain significance (1 of 4 stars; one submission).

Submission:

Labcorp Genetics (formerly Invitae), Labcorp
Classification: Uncertain significance. Last evaluated: 2024-02-17. Review status: criteria provided, single submitter. Criteria: Invitae Variant Classification Sherloc (09022015). Collection method: clinical testing. Allele origin: germline.
Comment: This sequence change replaces methionine, which is neutral and non-polar, with isoleucine, which is neutral and non-polar, at codon 305 of the IKZF1 protein (p.Met305Ile). This variant is not present in population databases (gnomAD no frequency). This variant has not been reported in the literature in individuals affected with IKZF1-related conditions. ClinVar contains an entry for this variant (Variation ID: 2133362). Algorithms developed to predict the effect of missense changes on protein structure and function output the following: SIFT: "Not Available"; PolyPhen-2: "Benign"; Align-GVGD: "Not Available". The isoleucine amino acid residue is found in multiple mammalian species, which suggests that this missense change does not adversely affect protein function. In summary, the available evidence is currently insufficient to determine the role of this variant in disease. Therefore, it has been classified as a Variant of Uncertain Significance.